The following is an entry in ClinVar:

NM_004360.5(CDH1):c.569A>G (p.Tyr190Cys)

Gene: CDH1 (cadherin 1; plus strand). Cytogenetic location: 16q22.1.
Variant type: single nucleotide variant.
Coding change: c.569A>G on transcript NM_004360.5 (MANE Select); coding-DNA position 569, A replaced by G.
Protein change: p.Tyr190Cys; replaces tyrosine 190 with cysteine.
Molecular consequence: missense variant. On other transcripts: 5 prime UTR variant (2).
Genome position (GRCh38, 1-based): chr16:68,808,730, A>G. VCF-style: chr16-68808730-A-G. GRCh37 (hg19) VCF-style: chr16-68842633-A-G.
Other names: c.569A>G, p.Tyr190Cys (NM_001317184.2); c.-1047A>G (NM_001317185.2); c.-1251A>G (NM_001317186.2); short protein forms Y190C.
Identifiers: ClinVar variation 2825594 (VCV002825594.3), dbSNP rs2152130116, ClinGen allele CA396457923.

ClinVar aggregate classification (germline): Uncertain significance (1 of 4 stars; one submission).

Conditions:
Hereditary diffuse gastric adenocarcinoma (HDGC). Also called: DIFFUSE GASTRIC AND LOBULAR BREAST CANCER SYNDROME. Identifiers: Orphanet 26106, MedGen C1708349, MONDO:0007648, OMIM 137215.

Submission:

Labcorp Genetics (formerly Invitae), Labcorp
Classification: Uncertain significance for Hereditary diffuse gastric adenocarcinoma. Last evaluated: 2023-02-06. Review status: criteria provided, single submitter. Criteria: Invitae Variant Classification Sherloc (09022015). Collection method: clinical testing. Allele origin: germline.
Comment: This sequence change replaces tyrosine, which is neutral and polar, with cysteine, which is neutral and slightly polar, at codon 190 of the CDH1 protein (p.Tyr190Cys). This variant is not present in population databases (gnomAD no frequency). This variant has not been reported in the literature in individuals affected with CDH1-related conditions. Algorithms developed to predict the effect of missense changes on protein structure and function (SIFT, PolyPhen-2, Align-GVGD) all suggest that this variant is likely to be disruptive. In summary, the available evidence is currently insufficient to determine the role of this variant in disease. Therefore, it has been classified as a Variant of Uncertain Significance.